The following is an entry in ClinVar:

ClinVar aggregate classification (germline): Conflicting classifications of pathogenicity. Review status: criteria provided, conflicting classifications (1 of 4 stars). 6 submissions from 6 submitters: Uncertain significance (5); Benign (1). Last evaluated 2025-08-25.

Conditions:
Hereditary cancer-predisposing syndrome. Also called: Tumor predisposition; Hereditary Cancer Syndrome; Neoplastic Syndromes, Hereditary; Hereditary neoplastic syndrome. Identifiers: Orphanet 140162, MedGen C0027672, MeSH D009386, MONDO:0015356.
Peutz-Jeghers syndrome (PJS). Also called: POLYPOSIS, HAMARTOMATOUS INTESTINAL; POLYPS-AND-SPOTS SYNDROME; Peutz-Jeghers polyposis; Periorificial lentiginosis syndrome. Identifiers: Orphanet 2869, MedGen C0031269, MeSH D010580, MONDO:0008280, OMIM 175200.

Allele frequency attached by ClinVar (database versions not stated): gnomAD exomes below 0.00001; TOPMed 0.00001; gnomAD 0.00002.
gnomAD v4.1: 9 of 1,569,640 alleles (0.00057%); highest among the groups gnomAD compares: South Asian, 0.0047%; no homozygotes.

Submissions (6):

Labcorp Genetics (formerly Invitae), Labcorp
Classification: Benign for Peutz-Jeghers syndrome. Last evaluated: 2025-08-25. Review status: criteria provided, single submitter. Criteria: Invitae Variant Classification Sherloc (09022015). Collection method: clinical testing. Allele origin: germline.

All of Us Research Program, National Institutes of Health
Classification: Uncertain significance for Peutz-Jeghers syndrome. Last evaluated: 2024-09-27. Review status: criteria provided, single submitter. Criteria: ACMG Guidelines, 2015. Collection method: clinical testing. Allele origin: germline. Inheritance: Autosomal dominant inheritance. Observed: 4 variant alleles, 4 heterozygotes.
Comment: This missense variant replaces arginine with tryptophan at codon 301 of the STK11 protein. Computational prediction suggests that this variant may not impact protein structure and function (internally defined REVEL score threshold <= 0.5, PMID: 27666373). Splice site prediction tools suggest that this variant may not impact RNA splicing. To our knowledge, functional studies have not been performed for this variant. This variant has not been reported in individuals affected with hereditary cancer in the literature. This variant has been identified in 1/179496 chromosomes in the general population by the Genome Aggregation Database (gnomAD). The available evidence is insufficient to determine the role of this variant in disease conclusively. Therefore, this variant is classified as a Variant of Uncertain Significance.

This study involves interpretation of variants in research participants for the purpose of population health screening. Participant phenotype was not available at the time of variant classification. Additional details can be found in publication PMID: 35346344, PMCID: PMC8962531

Ambry Genetics
Classification: Uncertain significance for Hereditary cancer-predisposing syndrome. Last evaluated: 2024-05-15. Review status: criteria provided, single submitter. Criteria: Ambry Variant Classification Scheme 2023. Collection method: clinical testing. Allele origin: germline.
Comment: The p.R301W variant (also known as c.901C>T), located in coding exon 7 of the STK11 gene, results from a C to T substitution at nucleotide position 901. The arginine at codon 301 is replaced by tryptophan, an amino acid with dissimilar properties. This variant was identified in a cohort of 882 Chinese individuals with a personal and/or family history of breast or ovarian cancers who underwent multi-gene panel testing for HBOC risk assessment (Shao D et al. Cancer Sci, 2020 Feb;111:647-657). This amino acid position is poorly conserved in available vertebrate species. In addition, this alteration is predicted to be tolerated by in silico analysis. Based on the available evidence, the clinical significance of this variant remains unclear.

Color Diagnostics, LLC DBA Color Health
Classification: Uncertain significance for Hereditary cancer-predisposing syndrome. Last evaluated: 2023-11-15. Review status: criteria provided, single submitter. Criteria: ACMG Guidelines, 2015. Collection method: clinical testing. Allele origin: germline.
Comment: This missense variant replaces arginine with tryptophan at codon 301 of the STK11 protein. Computational prediction suggests that this variant may not impact protein structure and function (internally defined REVEL score threshold <= 0.5, PMID: 27666373). To our knowledge, functional studies have not been reported for this variant. This variant has not been reported in individuals affected with STK11-related disorders in the literature. This variant has been identified in 1/179496 chromosomes in the general population by the Genome Aggregation Database (gnomAD). The available evidence is insufficient to determine the role of this variant in disease conclusively. Therefore, this variant is classified as a Variant of Uncertain Significance.

GeneDx
Classification: Uncertain significance. Last evaluated: 2023-10-20. Review status: criteria provided, single submitter. Criteria: GeneDx Variant Classification Process June 2021. Collection method: clinical testing. Allele origin: germline. Affected: yes.
Comment: Not observed at significant frequency in large population cohorts (gnomAD); In silico analysis supports that this missense variant has a deleterious effect on protein structure/function; Observed in a patient with high risk of hereditary breast and/or ovarian cancer syndrome (Shao et al., 2020); This variant is associated with the following publications: (PMID: 15863673, 31742824, 36531003)

Genome-Nilou Lab
Classification: Uncertain significance for Peutz-Jeghers syndrome. Last evaluated: 2021-07-15. Review status: criteria provided, single submitter. Criteria: ACMG Guidelines, 2015. Collection method: clinical testing. Allele origin: germline. Affected: no.

Literature cited by the submitters: PubMed 31742824 (cited by Ambry Genetics).

NM_000455.5(STK11):c.901C>T (p.Arg301Trp)

Gene: STK11 (serine/threonine kinase 11; plus strand). Cytogenetic location: 19p13.3.
Variant type: single nucleotide variant.
Coding change: c.901C>T on transcript NM_000455.5 (MANE Select); coding-DNA position 901, C replaced by T.
Protein change: p.Arg301Trp; replaces arginine 301 with tryptophan.
Molecular consequence: missense variant.
Genome position (GRCh38, 1-based): chr19:1,221,987, C>T. VCF-style: chr19-1221987-C-T. GRCh37 (hg19) VCF-style: chr19-1221986-C-T.
Other names: p.R301W:CGG>TGG; short protein forms R301W.
Identifiers: ClinVar variation 127708 (VCV000127708.24), dbSNP rs587780012, ClinGen allele CA023340.